The following is an entry in ClinVar:

NM_000057.4(BLM):c.2900C>A (p.Pro967His)

Gene: BLM (BLM RecQ like helicase; plus strand). Cytogenetic location: 15q26.1.
Variant type: single nucleotide variant.
Coding change: c.2900C>A on transcript NM_000057.4 (MANE Select); coding-DNA position 2900, C replaced by A.
Protein change: p.Pro967His; replaces proline 967 with histidine.
Molecular consequence: missense variant.
Genome position (GRCh38, 1-based): chr15:90,790,725, C>A. VCF-style: chr15-90790725-C-A. GRCh37 (hg19) VCF-style: chr15-91333955-C-A.
Other names: c.2900C>A, p.Pro967His (NM_001287246.2, NM_001287247.2); c.1775C>A, p.Pro592His (NM_001287248.2); short protein forms P592H, P967H.
Identifiers: ClinVar variation 1406143 (VCV001406143.6), dbSNP rs2151184560, ClinGen allele CA393846375.

ClinVar aggregate classification (germline): Uncertain significance (1 of 4 stars; one submission).

Conditions:
Bloom syndrome (BLM). Also called: Bloom-Torre-Machacek syndrome. Identifiers: Orphanet 125, MedGen C0005859, MONDO:0008876, OMIM 210900.

Submission:

Labcorp Genetics (formerly Invitae), Labcorp
Classification: Uncertain significance for Bloom syndrome. Last evaluated: 2021-09-18. Review status: criteria provided, single submitter. Criteria: Invitae Variant Classification Sherloc (09022015). Collection method: clinical testing. Allele origin: germline.
Comment: This variant has not been reported in the literature in individuals affected with BLM-related conditions. In summary, the available evidence is currently insufficient to determine the role of this variant in disease. Therefore, it has been classified as a Variant of Uncertain Significance. Algorithms developed to predict the effect of missense changes on protein structure and function are either unavailable or do not agree on the potential impact of this missense change (SIFT: "Deleterious"; PolyPhen-2: "Probably Damaging"; Align-GVGD: "Class C0"). This sequence change replaces proline with histidine at codon 967 of the BLM protein (p.Pro967His). The proline residue is highly conserved and there is a moderate physicochemical difference between proline and histidine. This variant is not present in population databases (ExAC no frequency).